The following is an entry in ClinVar:

NM_001009944.3(PKD1):c.12192G>A (p.Val4064=)

Gene: PKD1 (polycystin 1, transient receptor potential channel interacting; minus strand). Cytogenetic location: 16p13.3.
Variant type: single nucleotide variant.
Coding change: c.12192G>A on transcript NM_001009944.3 (MANE Select); coding-DNA position 12192, G replaced by A.
Protein change: p.Val4064=; no amino-acid change (valine 4064 retained).
Molecular consequence: synonymous variant.
Genome position (GRCh38, 1-based): chr16:2,090,537, C>T on the plus strand (G>A on the coding strand, the complement: PKD1 is on the minus strand). VCF-style: chr16-2090537-C-T. GRCh37 (hg19) VCF-style: chr16-2140538-C-T.
Other names: c.12189G>A, p.Val4063= (NM_000296.4).
Identifiers: ClinVar variation 4978200 (VCV004978200.1).
Genomic context (GRCh38, chr16:2,090,537, plus strand): 5'-GGGTGACAGGTGCCAGGACTCGGCAGGACACAGGGTAGAGAGCCCAGTCCCAGGGCACAG[C>T]ACCAACAGGGCCTGGGCCACGCTCCAGAGGGAGTCCACACAGGAAGACACGAGCTGCGGG-3'
Protein context (NP_001009944.3, residues 4054-4074): SLWSVAQALL[Val4064=]LCPGTGLSTL

ClinVar aggregate classification (germline): Likely benign (1 of 4 stars; one submission).

Conditions:
PKD1-related disorder. Also called: PKD1-related condition.

gnomAD v4.1: 3 of 1,610,240 alleles (0.00019%); highest among the groups gnomAD compares: South Asian, 0.0011%; no homozygotes.

Submission:

PreventionGenetics, part of Exact Sciences
Classification: Likely benign for PKD1-related condition. Last evaluated: 2026-07-22. Review status: criteria provided, single submitter. Criteria: ACMG Guidelines, 2015. Collection method: clinical testing. Allele origin: germline.
Comment: This variant is classified as likely benign based on ACMG/AMP sequence variant interpretation guidelines (Richards et al. 2015 PMID: 25741868, with internal and published modifications).